The following is an entry in ClinVar:

NM_025114.4(CEP290):c.7397T>C (p.Phe2466Ser)

Genes: CEP290 (centrosomal protein 290; minus strand), RLIG1 (RNA 5'-phosphate and 3'-OH ligase 1; plus strand). Cytogenetic location: 12q21.32.
Variant type: single nucleotide variant.
Coding change: c.7397T>C on transcript NM_025114.4 (MANE Select); coding-DNA position 7397, T replaced by C.
Protein change: p.Phe2466Ser; replaces phenylalanine 2466 with serine.
Molecular consequence: missense variant. On other transcripts: 3 prime UTR variant (1).
Genome position (GRCh38, 1-based): chr12:88,049,227, A>G on the plus strand (T>C on the coding strand, the complement: CEP290 is on the minus strand). VCF-style: chr12-88049227-A-G. GRCh37 (hg19) VCF-style: chr12-88443004-A-G.
Other names: c.*805A>G (NM_001009894.3); short protein forms F2466S.
Identifiers: ClinVar variation 946983 (VCV000946983.6), dbSNP rs1159836808, ClinGen allele CA385972089.
Genomic context (GRCh38, chr12:88,049,227, plus strand): 5'-AAGTTTATAGGTGACCTTTAGTAAATGGGGAAATTAACAGGACTTTCTTCTTCATCTTCA[A>G]ACTCTTCAGAAGCAGCAACAGGGCTAGTTAATTCAACTCCCAATTGTTCTGAAAGTTTTT-3'
Protein context (NP_079390.3, residues 2456-2476): LTSPVAASEE[Phe2466Ser]EDEEESPVNF

ClinVar aggregate classification (germline): Uncertain significance. Review status: criteria provided, single submitter (1 of 4 stars). 3 submissions from 3 submitters: Uncertain significance (1). 2 of the submissions do not count toward it. Last evaluated 2022-09-13.

Conditions:
CEP290-related disorder. Also called: CEP290-related condition; CEP290-related disorders. Identifiers: MedGen CN239314.
Meckel-Gruber syndrome. Also called: Dysencephalia splachnocystica; DYSENCEPHALIA SPLANCHNOCYSTICA; GRUBER SYNDROME. Identifiers: Orphanet 564, MedGen C0265215, MONDO:0018921.
Nephronophthisis. Also called: Juvenile Nephronophthisis. Identifiers: Orphanet 655, MedGen C0687120, MONDO:0019005, HP:0000090.
Joubert syndrome. Also called: Familial aplasia of the vermis; CEREBELLOPARENCHYMAL DISORDER IV; JOUBERT-BOLTSHAUSER SYNDROME. Identifiers: Orphanet 475, MedGen C5979921, MONDO:0018772.
Leber congenital amaurosis (LCA). Also called: Leber's amaurosis. Identifiers: Orphanet 65, MedGen C0339527, MeSH D057130, MONDO:0018998.

Allele frequency attached by ClinVar (database versions not stated): gnomAD exomes below 0.00001; TOPMed 0.00001.
gnomAD v4.1: 9 of 1,604,486 alleles (0.00056%); highest among the groups gnomAD compares: Admixed American, 0.0051%; no homozygotes.

Submissions (3):

Labcorp Genetics (formerly Invitae), Labcorp
Classification: Uncertain significance for Joubert syndrome; Meckel-Gruber syndrome; Nephronophthisis. Last evaluated: 2022-09-13. Review status: criteria provided, single submitter. Criteria: Invitae Variant Classification Sherloc (09022015). Collection method: clinical testing. Allele origin: germline.
Comment: This sequence change replaces phenylalanine, which is neutral and non-polar, with serine, which is neutral and polar, at codon 2466 of the CEP290 protein (p.Phe2466Ser). This variant is present in population databases (no rsID available, gnomAD 0.003%). This variant has not been reported in the literature in individuals affected with CEP290-related conditions. ClinVar contains an entry for this variant (Variation ID: 946983). Algorithms developed to predict the effect of missense changes on protein structure and function output the following: SIFT: "Tolerated"; PolyPhen-2: "Benign"; Align-GVGD: "Class C0". The serine amino acid residue is found in multiple mammalian species, which suggests that this missense change does not adversely affect protein function. In summary, the available evidence is currently insufficient to determine the role of this variant in disease. Therefore, it has been classified as a Variant of Uncertain Significance.

PreventionGenetics, part of Exact Sciences
Classification: Uncertain significance for CEP290-related condition. Last evaluated: 2024-07-30. Review status: no assertion criteria provided. Collection method: clinical testing. Allele origin: germline. Not counted in ClinVar's aggregate classification.
Comment: The CEP290 c.7397T>C variant is predicted to result in the amino acid substitution p.Phe2466Ser. To our knowledge, this variant has not been reported in the literature. This variant is reported in 0.0030% of alleles in individuals of Latino descent in gnomAD. At this time, the clinical significance of this variant is uncertain due to the absence of conclusive functional and genetic evidence.

Natera, Inc.
Classification: Uncertain significance for Leber congenital amaurosis. Last evaluated: 2020-09-16. Review status: no assertion criteria provided. Collection method: clinical testing. Allele origin: germline. Not counted in ClinVar's aggregate classification.